The following is an entry in ClinVar:

NM_014846.4(WASHC5):c.1611C>G (p.Thr537=)

Gene: WASHC5 (WASH complex subunit 5; minus strand). Cytogenetic location: 8q24.13.
Variant type: single nucleotide variant.
Coding change: c.1611C>G on transcript NM_014846.4 (MANE Select); coding-DNA position 1611, C replaced by G.
Protein change: p.Thr537=; no amino-acid change (threonine 537 retained).
Molecular consequence: synonymous variant.
Genome position (GRCh38, 1-based): chr8:125,059,453, G>C on the plus strand (C>G on the coding strand, the complement: WASHC5 is on the minus strand). VCF-style: chr8-125059453-G-C. GRCh37 (hg19) VCF-style: chr8-126071695-G-C.
Other names: c.1167C>G, p.Thr389= (NM_001330609.2).
Identifiers: ClinVar variation 1145664 (VCV001145664.32), dbSNP rs1375065582, ClinGen allele CA462770295.

ClinVar aggregate classification (germline): Likely benign. Review status: criteria provided, multiple submitters, no conflicts (2 of 4 stars). 2 submissions from 2 submitters: Likely benign (2). Last evaluated 2023-04-01.

Conditions:
Ritscher-Schinzel syndrome. Also called: CRANIOCEREBELLOCARDIAC DYSPLASIA. Identifiers: Orphanet 7, MedGen C0796137, MONDO:0019078.
Hereditary spastic paraplegia 8 (SPG8). Also called: SPASTIC PARAPLEGIA 8, AUTOSOMAL DOMINANT. Identifiers: Orphanet 100989, MedGen C1863704, MONDO:0011339, OMIM 603563.

Allele frequency attached by ClinVar (database versions not stated): gnomAD 0.00001; gnomAD exomes 0.00002.

Submissions (2):

CeGaT Center for Human Genetics Tuebingen
Classification: Likely benign. Last evaluated: 2023-04-01. Review status: criteria provided, single submitter. Criteria: CeGaT Center For Human Genetics Tuebingen Variant Classification Criteria Version 2. Collection method: clinical testing. Allele origin: germline. Affected: yes. Observed: 1 variant allele.
Comment: WASHC5: BP4, BP7

Labcorp Genetics (formerly Invitae), Labcorp
Classification: Likely benign for Ritscher-Schinzel syndrome; Hereditary spastic paraplegia 8. Last evaluated: 2019-06-17. Review status: criteria provided, single submitter. Criteria: Invitae Variant Classification Sherloc (09022015). Collection method: clinical testing. Allele origin: germline.